The following is an entry in ClinVar:

NM_198271.5(LMOD3):c.882dup (p.Asp295fs)

Gene: LMOD3 (leiomodin 3; minus strand). Cytogenetic location: 3p14.1.
Variant type: Duplication.
Coding change: c.882dup on transcript NM_198271.5 (MANE Select); coding-DNA position 882, one base duplicated (A; older notation c.882dupA).
Protein change: p.Asp295fs; shifts the reading frame from aspartic acid 295.
Molecular consequence: frameshift variant.
Genome position (GRCh38, 1-based): chr3:69,119,473, T duplicated on the plus strand (A on the coding strand, the reverse complement: LMOD3 is on the minus strand). VCF-style (leftmost placement, unchanged base first): chr3-69119472-C-CT. GRCh37 (hg19) VCF-style: chr3-69168623-C-CT.
Other names: c.882dup, p.Asp295fs (NM_001304418.3); short protein forms D295fs.
Identifiers: ClinVar variation 2169511 (VCV002169511.4), dbSNP rs2471248213, ClinGen allele CA2580070408.
Genomic context (GRCh38, chr3:69,119,472, plus strand): 5'-GAGTGGTGATGCTTCTATTTTCACGCAACATGTTAGCCAAGGCAAATGCTACATTCTCAT[C>CT]TGCACCCACATTGGCTAAACTGAATGTTTTGATGTGCTTGTTTTTCTTCATTGCATTGAC-3'

ClinVar aggregate classification (germline): Pathogenic (1 of 4 stars; one submission).

Conditions:
Nemaline myopathy 10 (NEM10). Identifiers: MedGen C4015360, MONDO:0014513, OMIM 616165.

Submission:

Labcorp Genetics (formerly Invitae), Labcorp
Classification: Pathogenic for Nemaline myopathy 10. Last evaluated: 2025-12-23. Review status: criteria provided, single submitter. Criteria: Invitae Variant Classification Sherloc (09022015). Collection method: clinical testing. Allele origin: germline.
Comment: This sequence change creates a premature translational stop signal (p.Asp295Argfs*2) in the LMOD3 gene. It is expected to result in an absent or disrupted protein product. Loss-of-function variants in LMOD3 are known to be pathogenic (PMID: 25250574). This variant is not present in population databases (gnomAD no frequency). This premature translational stop signal has been observed in individual(s) with nemaline myopathy (PMID: 30642739). ClinVar contains an entry for this variant (Variation ID: 2169511). For these reasons, this variant has been classified as Pathogenic.

Literature cited by the submitters: PubMed 25250574; PubMed 30642739.